The following is an entry in ClinVar:

ClinVar aggregate classification (germline): Likely pathogenic (1 of 4 stars; one submission).

Submission:

Labcorp Genetics (formerly Invitae), Labcorp
Classification: Likely pathogenic. Last evaluated: 2025-08-25. Review status: criteria provided, single submitter. Criteria: Invitae Variant Classification Sherloc (09022015). Collection method: clinical testing. Allele origin: germline.
Comment: This sequence change replaces glycine, which is neutral and non-polar, with arginine, which is basic and polar, at codon 687 of the COL4A5 protein (p.Gly687Arg). This variant is not present in population databases (gnomAD no frequency). This missense change has been observed in individual(s) with Alport syndrome (internal data). Invitae Evidence Modeling of protein sequence and biophysical properties (such as structural, functional, and spatial information, amino acid conservation, physicochemical variation, residue mobility, and thermodynamic stability) indicates that this missense variant is expected to disrupt COL4A5 protein function with a positive predictive value of 95%. This variant disrupts the triple helix domain of COL4A5. Glycine residues within the Gly-Xaa-Yaa repeats of the triple helix domain are required for the structure and stability of fibrillar collagens (PMID: 7695699, 8218237, 19344236). In COL4A5, missense variants at these glycine residues are significantly enriched in individuals with disease (PMID: 23720012, 27627812) compared to the general population (ExAC). In summary, the currently available evidence indicates that the variant is pathogenic, but additional data are needed to prove that conclusively. Therefore, this variant has been classified as Likely Pathogenic.

Literature cited by the submitters: PubMed 7695699; PubMed 8218237; PubMed 19344236; PubMed 23720012; PubMed 27627812.

NM_033380.3(COL4A5):c.2059G>A (p.Gly687Arg)

Gene: COL4A5 (collagen type IV alpha 5 chain; plus strand). Cytogenetic location: Xq22.3.
Variant type: single nucleotide variant.
Coding change: c.2059G>A on transcript NM_033380.3 (MANE Select); coding-DNA position 2059, G replaced by A.
Protein change: p.Gly687Arg; replaces glycine 687 with arginine.
Molecular consequence: missense variant.
Genome position (GRCh38, 1-based): chrX:108,601,902, G>A. VCF-style: chrX-108601902-G-A. GRCh37 (hg19) VCF-style: chrX-107845132-G-A.
Other names: c.2059G>A, p.Gly687Arg (NM_000495.5); short protein forms G687R.
Identifiers: ClinVar variation 4802184 (VCV004802184.1).
Genomic context (GRCh38, chrX:108,601,902, plus strand): 5'-TTCTTTGAACGTTTTCCTTTCAATAACTGCTGTTTCTCCATAGGTGACCCTGGACTTCCA[G>A]GGCAACCAGGCTTGCCAGGGATACCTGGTAGCAAAGGAGAACCAGGTATCCCTGGAATTG-3'
Protein context (NP_203699.1, residues 677-697): VGLPGDPGLP[Gly687Arg]QPGLPGIPGS